The following is an entry in ClinVar:

ClinVar aggregate classification (germline): Uncertain significance. Review status: criteria provided, multiple submitters, no conflicts (2 of 4 stars). 2 submissions from 2 submitters: Uncertain significance (2). Last evaluated 2026-03-31.

Conditions:
Hereditary cancer-predisposing syndrome. Also called: Hereditary Cancer Syndrome; Hereditary neoplastic syndrome; Neoplastic Syndromes, Hereditary; Tumor predisposition. Identifiers: Orphanet 140162, MedGen C0027672, MeSH D009386, MONDO:0015356.

Submissions (2):

Ambry Genetics
Classification: Uncertain significance for Hereditary cancer-predisposing syndrome. Last evaluated: 2026-03-31. Review status: criteria provided, single submitter. Criteria: Ambry Variant Classification Scheme 2023. Collection method: clinical testing. Allele origin: germline.
Comment: The p.S192C variant (also known as c.575C>G), located in coding exon 6 of the POLE gene, results from a C to G substitution at nucleotide position 575. The serine at codon 192 is replaced by cysteine, an amino acid with dissimilar properties. This amino acid position is well conserved in available vertebrate species. In addition, this alteration is predicted to be tolerated by in silico analysis. Based on the available evidence, the clinical significance of this variant remains unclear.

Labcorp Genetics (formerly Invitae), Labcorp
Classification: Uncertain significance. Last evaluated: 2025-11-06. Review status: criteria provided, single submitter. Criteria: Invitae Variant Classification Sherloc (09022015). Collection method: clinical testing. Allele origin: germline.
Comment: This sequence change replaces serine, which is neutral and polar, with cysteine, which is neutral and slightly polar, at codon 192 of the POLE protein (p.Ser192Cys). This variant is not present in population databases (gnomAD no frequency). This variant has not been reported in the literature in individuals affected with POLE-related conditions. ClinVar contains an entry for this variant (Variation ID: 3721204). Invitae Evidence Modeling of protein sequence and biophysical properties (such as structural, functional, and spatial information, amino acid conservation, physicochemical variation, residue mobility, and thermodynamic stability) indicates that this missense variant is not expected to disrupt POLE protein function with a negative predictive value of 80%. In summary, the available evidence is currently insufficient to determine the role of this variant in disease. Therefore, it has been classified as a Variant of Uncertain Significance.

NM_006231.4(POLE):c.575C>G (p.Ser192Cys)

Gene: POLE (DNA polymerase epsilon, catalytic subunit; minus strand). Cytogenetic location: 12q24.33.
Variant type: single nucleotide variant.
Coding change: c.575C>G on transcript NM_006231.4 (MANE Select); coding-DNA position 575, C replaced by G.
Protein change: p.Ser192Cys; replaces serine 192 with cysteine.
Molecular consequence: missense variant.
Genome position (GRCh38, 1-based): chr12:132,679,500, G>C on the plus strand (C>G on the coding strand, the complement: POLE is on the minus strand). VCF-style: chr12-132679500-G-C. GRCh37 (hg19) VCF-style: chr12-133256086-G-C.
Other names: c.575C>G (NM_006231.2); short protein forms S192C.
Identifiers: ClinVar variation 3721204 (VCV003721204.3).